The following is an entry in ClinVar:

ClinVar aggregate classification (germline): Benign (0 of 4 stars; one submission).

Conditions:
ITIH4-related disorder. Also called: ITIH4-related condition.

Allele frequency attached by ClinVar (database versions not stated): ESP Exome Variant Server 0.22697; gnomAD exomes 0.23439; gnomAD 0.24430; 1000 Genomes Project 0.24501; ExAC 0.24761; 1000 Genomes Project 30x 0.24797; TOPMed 0.25594.

Submission:

PreventionGenetics, part of Exact Sciences
Classification: Benign for ITIH4-related condition. Last evaluated: 2019-10-18. Review status: no assertion criteria provided. Collection method: clinical testing. Allele origin: germline.
Comment: This variant is classified as benign based on ACMG/AMP sequence variant interpretation guidelines (Richards et al. 2015 PMID: 25741868, with internal and published modifications).

NM_002218.5(ITIH4):c.390G>A (p.Val130=)

Gene: ITIH4 (inter-alpha-trypsin inhibitor heavy chain 4; minus strand). Cytogenetic location: 3p21.1.
Variant type: single nucleotide variant.
Coding change: c.390G>A on transcript NM_002218.5 (MANE Select); coding-DNA position 390, G replaced by A.
Protein change: p.Val130=; no amino-acid change (valine 130 retained).
Molecular consequence: synonymous variant.
Genome position (GRCh38, 1-based): chr3:52,826,920, C>T on the plus strand (G>A on the coding strand, the complement: ITIH4 is on the minus strand). VCF-style: chr3-52826920-C-T. GRCh37 (hg19) VCF-style: chr3-52860936-C-T.
Other names: c.390G>A, p.Val130= (NM_001166449.2).
Identifiers: ClinVar variation 3060681 (VCV003060681.2), dbSNP rs2276817, ClinGen allele CA2449690.